The following is an entry in ClinVar:

ClinVar aggregate classification (germline): Uncertain significance. Review status: criteria provided, multiple submitters, no conflicts (2 of 4 stars). 5 submissions from 5 submitters: Uncertain significance (5). Last evaluated 2025-12-29.

Conditions:
Sessile serrated polyposis cancer syndrome (SSPCS). Identifiers: Orphanet 157798, MedGen C4310714, MONDO:0014919, OMIM 617108.

Allele frequency attached by ClinVar (database versions not stated): gnomAD 0.00001; TOPMed 0.00005; gnomAD exomes 0.00010; ExAC 0.00015.
gnomAD v4.1: 85 of 1,611,452 alleles (0.0053%); highest among the groups gnomAD compares: Admixed American, 0.0067%; no homozygotes.

Submissions (5):

Center for Genomic Medicine, Rigshospitalet, Copenhagen University Hospital
Classification: Uncertain significance. Last evaluated: 2025-12-29. Review status: criteria provided, single submitter. Criteria: ACMG Guidelines, 2015. Collection method: clinical testing. Allele origin: germline.
Comment: Classification criteria: BP4_moderate/strong

Labcorp Genetics (formerly Invitae), Labcorp
Classification: Uncertain significance. Last evaluated: 2025-04-17. Review status: criteria provided, single submitter. Criteria: Invitae Variant Classification Sherloc (09022015). Collection method: clinical testing. Allele origin: germline.
Comment: This sequence change replaces lysine, which is basic and polar, with glutamine, which is neutral and polar, at codon 559 of the RNF43 protein (p.Lys559Gln). This variant is present in population databases (rs777723421, gnomAD 0.02%). This variant has not been reported in the literature in individuals affected with RNF43-related conditions. ClinVar contains an entry for this variant (Variation ID: 834367). An algorithm developed to predict the effect of missense changes on protein structure and function (PolyPhen-2) suggests that this variant is likely to be tolerated. In summary, the available evidence is currently insufficient to determine the role of this variant in disease. Therefore, it has been classified as a Variant of Uncertain Significance.

Ambry Genetics
Classification: Uncertain significance. Last evaluated: 2024-11-26. Review status: criteria provided, single submitter. Criteria: Ambry Variant Classification Scheme 2023. Collection method: clinical testing. Allele origin: germline.
Comment: The p.K559Q variant (also known as c.1675A>C), located in coding exon 8 of the RNF43 gene, results from an A to C substitution at nucleotide position 1675. The lysine at codon 559 is replaced by glutamine, an amino acid with similar properties. This amino acid position is conserved. In addition, this alteration is predicted to be tolerated by in silico analysis. Based on the available evidence, the clinical significance of this variant remains unclear.

Baylor Genetics
Classification: Uncertain significance for Sessile serrated polyposis cancer syndrome. Last evaluated: 2023-05-25. Review status: criteria provided, single submitter. Criteria: ACMG Guidelines, 2015. Collection method: clinical testing. Allele origin: unknown.

GeneDx
Classification: Uncertain significance. Last evaluated: 2022-02-14. Review status: criteria provided, single submitter. Criteria: GeneDx Variant Classification Process June 2021. Collection method: clinical testing. Allele origin: germline. Affected: yes.
Comment: Variants in candidate genes are classified as variants of uncertain significance in accordance with ACMG guidelines (Richards 2015); In silico analysis supports that this missense variant does not alter protein structure/function; Has not been previously published as pathogenic or benign to our knowledge

NM_017763.6(RNF43):c.1675A>C (p.Lys559Gln)

Gene: RNF43 (ring finger protein 43; minus strand). Cytogenetic location: 17q22.
Variant type: single nucleotide variant.
Coding change: c.1675A>C on transcript NM_017763.6 (MANE Select); coding-DNA position 1675, A replaced by C.
Protein change: p.Lys559Gln; replaces lysine 559 with glutamine.
Molecular consequence: missense variant.
Genome position (GRCh38, 1-based): chr17:58,358,101, T>G on the plus strand (A>C on the coding strand, the complement: RNF43 is on the minus strand). VCF-style: chr17-58358101-T-G. GRCh37 (hg19) VCF-style: chr17-56435462-T-G.
Other names: c.1675A>C (NM_017763.4); c.1675A>C, p.Lys559Gln (NM_001305544.3); c.1294A>C, p.Lys432Gln (NM_001305545.2); short protein forms K432Q, K559Q.
Identifiers: ClinVar variation 834367 (VCV000834367.23), dbSNP rs777723421, ClinGen allele CA8673135.